The following is an entry in ClinVar:

NM_005228.5(EGFR):c.550C>G (p.Leu184Val)

Gene: EGFR (epidermal growth factor receptor; plus strand). Cytogenetic location: 7p11.2.
Variant type: single nucleotide variant.
Coding change: c.550C>G on transcript NM_005228.5 (MANE Select); coding-DNA position 550, C replaced by G.
Protein change: p.Leu184Val; replaces leucine 184 with valine.
Molecular consequence: missense variant. On other transcripts: intron variant (3).
Genome position (GRCh38, 1-based): chr7:55,146,731, C>G. VCF-style: chr7-55146731-C-G. GRCh37 (hg19) VCF-style: chr7-55214424-C-G.
Other names: c.550C>G, p.Leu184Val (NM_001346898.2, NM_201282.2, NM_201283.2 and 1 more transcripts); c.391C>G, p.Leu131Val (NM_001346900.2); c.424+3243C>G (NM_001346899.2, NM_001346897.2); c.89-9099C>G (NM_001346941.2); short protein forms L184V, L131V.
Identifiers: ClinVar variation 942844 (VCV000942844.9), dbSNP rs1224862076, ClinGen allele CA367576744.
Genomic context (GRCh38, chr7:55,146,731, plus strand): 5'-TGGCGGGACATAGTCAGCAGTGACTTTCTCAGCAACATGTCGATGGACTTCCAGAACCAC[C>G]TGGGCAGCTGTAAGTGTCGCATACACACTATCTCTGCCTCCAGCTCCTATGGGGGACAGC-3'
Protein context (NP_005219.2, residues 174-194): SNMSMDFQNH[Leu184Val]GSCQKCDPSC

ClinVar aggregate classification (germline): Conflicting classifications of pathogenicity. Review status: criteria provided, conflicting classifications (1 of 4 stars). 2 submissions from 2 submitters: Uncertain significance (1); Likely benign (1). Last evaluated 2025-10-20.

Conditions:
Hereditary cancer-predisposing syndrome. Also called: Neoplastic Syndromes, Hereditary; Hereditary Cancer Syndrome; Tumor predisposition; Hereditary neoplastic syndrome. Identifiers: Orphanet 140162, MedGen C0027672, MeSH D009386, MONDO:0015356.
EGFR-related lung cancer (EGFR). Identifiers: MedGen CN130014.

Allele frequency attached by ClinVar (database versions not stated): gnomAD exomes below 0.00001 and 0.00001; TOPMed 0.00002; gnomAD 0.00003 and 0.00004.
gnomAD v4.1: 16 of 1,614,090 alleles (0.00099%); highest among the groups gnomAD compares: Non-Finnish European, 0.0014%; no homozygotes.

Submissions (2):

Ambry Genetics
Classification: Likely benign for Hereditary cancer-predisposing syndrome. Last evaluated: 2025-10-20. Review status: criteria provided, single submitter. Criteria: Ambry Variant Classification Scheme 2023. Collection method: clinical testing. Allele origin: germline.

Labcorp Genetics (formerly Invitae), Labcorp
Classification: Uncertain significance for EGFR-related lung cancer. Last evaluated: 2025-08-13. Review status: criteria provided, single submitter. Criteria: Invitae Variant Classification Sherloc (09022015). Collection method: clinical testing. Allele origin: germline.
Comment: This sequence change replaces leucine, which is neutral and non-polar, with valine, which is neutral and non-polar, at codon 184 of the EGFR protein (p.Leu184Val). This variant is present in population databases (no rsID available, gnomAD 0.002%). This variant has not been reported in the literature in individuals affected with EGFR-related conditions. ClinVar contains an entry for this variant (Variation ID: 942844). Invitae Evidence Modeling of protein sequence and biophysical properties (such as structural, functional, and spatial information, amino acid conservation, physicochemical variation, residue mobility, and thermodynamic stability) indicates that this missense variant is not expected to disrupt EGFR protein function with a negative predictive value of 80%. In summary, the available evidence is currently insufficient to determine the role of this variant in disease. Therefore, it has been classified as a Variant of Uncertain Significance.